The following is an entry in ClinVar:

ClinVar aggregate classification (germline): Benign (1 of 4 stars; one submission).

Allele frequency attached by ClinVar (database versions not stated): 1000 Genomes Project 0.59804; 1000 Genomes Project 30x 0.60134; TOPMed 0.66373; gnomAD 0.68928.

Submission:

GeneDx
Classification: Benign. Last evaluated: 2018-06-14. Review status: criteria provided, single submitter. Criteria: GeneDx Variant Classification (06012015). Collection method: clinical testing. Allele origin: germline. Affected: yes.
Comment: This variant is considered likely benign or benign based on one or more of the following criteria: it is a conservative change, it occurs at a poorly conserved position in the protein, it is predicted to be benign by multiple in silico algorithms, and/or has population frequency not consistent with disease.

NM_024876.4(COQ8B):c.1297-204A>G

Gene: COQ8B (coenzyme Q8B; minus strand). Cytogenetic location: 19q13.2.
Variant type: single nucleotide variant.
Coding change: c.1297-204A>G on transcript NM_024876.4 (MANE Select); 204 bases into the intron before coding-DNA position 1297, A replaced by G.
Molecular consequence: intron variant.
Genome position (GRCh38, 1-based): chr19:40,692,577, T>C on the plus strand (A>G on the coding strand, the complement: COQ8B is on the minus strand). VCF-style: chr19-40692577-T-C. GRCh37 (hg19) VCF-style: chr19-41198482-T-C.
Other names: c.1174-204A>G (NM_001142555.3).
Identifiers: ClinVar variation 683204 (VCV000683204.1), dbSNP rs2604880, ClinGen allele CA14643045.